The following is an entry in ClinVar:

ClinVar aggregate classification (germline): Uncertain significance (1 of 4 stars; one submission).

Conditions:
Early-infantile DEE. Also called: Ohtahara syndrome; Early infantile epileptic encephalopathy with suppression bursts; Early infantile epileptic encephalopathy. Identifiers: Orphanet 1934, MedGen C0393706, MONDO:0800491.

Submission:

Labcorp Genetics (formerly Invitae), Labcorp
Classification: Uncertain significance for Early-infantile DEE. Last evaluated: 2024-10-07. Review status: criteria provided, single submitter. Criteria: Invitae Variant Classification Sherloc (09022015). Collection method: clinical testing. Allele origin: germline.
Comment: This sequence change replaces isoleucine, which is neutral and non-polar, with asparagine, which is neutral and polar, at codon 1686 of the SCN1A protein (p.Ile1686Asn). This variant is not present in population databases (gnomAD no frequency). This variant has not been reported in the literature in individuals affected with SCN1A-related conditions. Invitae Evidence Modeling of protein sequence and biophysical properties (such as structural, functional, and spatial information, amino acid conservation, physicochemical variation, residue mobility, and thermodynamic stability) indicates that this missense variant is expected to disrupt SCN1A protein function with a positive predictive value of 95%. In summary, the available evidence is currently insufficient to determine the role of this variant in disease. Therefore, it has been classified as a Variant of Uncertain Significance.

NM_001165963.4(SCN1A):c.5057T>A (p.Ile1686Asn)

Genes: SCN1A (sodium voltage-gated channel alpha subunit 1; minus strand), LOC102724058 (uncharacterized LOC102724058; plus strand). Cytogenetic location: 2q24.3.
Variant type: single nucleotide variant.
Coding change: c.5057T>A on transcript NM_001165963.4 (MANE Select); coding-DNA position 5057, T replaced by A.
Protein change: p.Ile1686Asn; replaces isoleucine 1686 with asparagine.
Molecular consequence: missense variant. On other transcripts: non-coding transcript variant (1).
Genome position (GRCh38, 1-based): chr2:165,992,218, A>T on the plus strand (T>A on the coding strand, the complement: SCN1A is on the minus strand). VCF-style: chr2-165992218-A-T. GRCh37 (hg19) VCF-style: chr2-166848728-A-T.
Other names: c.4973T>A, p.Ile1658Asn (NM_001165964.3, NM_001353957.2, NM_001353958.2); c.5057T>A, p.Ile1686Asn (NM_001202435.3, NM_001353948.2); c.5024T>A, p.Ile1675Asn (NM_001353949.2, NM_001353950.2, NM_001353951.2 and 2 more transcripts); c.5021T>A, p.Ile1674Asn (NM_001353954.2, NM_001353955.2); c.4970T>A, p.Ile1657Asn (NM_001353960.2); c.2615T>A, p.Ile872Asn (NM_001353961.2); short protein forms I1657N, I1658N, I1674N, I1686N, I1675N, I872N.
Identifiers: ClinVar variation 3680933 (VCV003680933.2).